The following is an entry in ClinVar:

NM_000744.7(CHRNA4):c.1525G>A (p.Ala509Thr)

Gene: CHRNA4 (cholinergic receptor nicotinic alpha 4 subunit; minus strand). Cytogenetic location: 20q13.33.
Variant type: single nucleotide variant.
Coding change: c.1525G>A on transcript NM_000744.7 (MANE Select); coding-DNA position 1525, G replaced by A.
Protein change: p.Ala509Thr; replaces alanine 509 with threonine.
Molecular consequence: missense variant. On other transcripts: non-coding transcript variant (1).
Genome position (GRCh38, 1-based): chr20:63,349,886, C>T on the plus strand (G>A on the coding strand, the complement: CHRNA4 is on the minus strand). VCF-style: chr20-63349886-C-T. GRCh37 (hg19) VCF-style: chr20-61981238-C-T.
Other names: p.A509T:GCC>ACC; c.997G>A, p.Ala333Thr (NM_001256573.2); short protein forms A509T, A333T.
Identifiers: ClinVar variation 128746 (VCV000128746.19), dbSNP rs142137599, ClinGen allele CA231030.

ClinVar aggregate classification (germline): Conflicting classifications of pathogenicity. Review status: criteria provided, conflicting classifications (1 of 4 stars). 5 submissions from 5 submitters: Uncertain significance (3); Likely benign (2). Last evaluated 2026-08-01.

Conditions:
Familial sleep-related hypermotor epilepsy. Also called: Autosomal Dominant Sleep-Related Hypermotor (Hyperkinetic) Epilepsy. Identifiers: Orphanet 98784, MedGen C3696898, MONDO:0000030.
Inborn genetic diseases. Identifiers: MedGen C0950123, MeSH D030342.

Allele frequency attached by ClinVar (database versions not stated): ExAC 0.00001; gnomAD exomes 0.00001; gnomAD 0.00005; TOPMed 0.00006; ESP Exome Variant Server 0.00008.

Submissions (5):

CeGaT Center for Human Genetics Tuebingen
Classification: Likely benign. Last evaluated: 2026-08-01. Review status: criteria provided, single submitter. Criteria: CeGaT Center For Human Genetics Tuebingen Variant Classification Criteria Version 2. Collection method: clinical testing. Allele origin: germline. Affected: yes. Observed: 1 variant allele.
Comment: CHRNA4: BP4

Labcorp Genetics (formerly Invitae), Labcorp
Classification: Likely benign. Last evaluated: 2025-12-30. Review status: criteria provided, single submitter. Criteria: Invitae Variant Classification Sherloc (09022015). Collection method: clinical testing. Allele origin: germline.

Ambry Genetics
Classification: Uncertain significance for Inborn genetic diseases. Last evaluated: 2020-07-07. Review status: criteria provided, single submitter. Criteria: Ambry Variant Classification Scheme 2023. Collection method: clinical testing. Allele origin: germline.
Comment: The alteration results in an amino acid change:_x000D_ _x000D_ The c.1525G>A (p.A509T) alteration is located in coding exon 5 of the CHRNA4 gene. This alteration results from a G to A substitution at nucleotide position 1525, causing the alanine (A) at amino acid position 509 to be replaced by a threonine (T). The alteration is rare in population databases: _x000D_ _x000D_ Based on data from the Genome Aggregation Database (gnomAD), the c.1525G>A alteration was observed in 0.0012% (3/258226) of total alleles studied. The altered amino acid is not conserved throughout evolution:_x000D_ _x000D_ The p.A509 amino acid is not conserved in available vertebrate species. The alteration is predicted tolerated by in silico modeling:_x000D_ _x000D_ The p.A509T alteration is predicted to be tolerated by in silico analysis. Based on insufficient or conflicting evidence, the clinical significance of this alteration remains unclear.

GeneDx
Classification: Uncertain significance. Last evaluated: 2018-02-05. Review status: criteria provided, single submitter. Criteria: GeneDx Variant Classification (06012015). Collection method: clinical testing. Allele origin: germline. Affected: yes.
Comment: A variant of uncertain significance has been identified in the CHRNA4 gene. The A509T variant has not been published as a pathogenic variant, nor has it been reported as a benign variant to our knowledge. The A509T variant is not observed at a significant frequency in large population cohorts (Lek et al., 2016). The A509T variant is a non-conservative amino acid substitution, which is likely to impact secondary protein structure as these residues differ in polarity, charge, size and/or other properties. However, this amino acid substitution is not predicted to occur within the transmembrane region of the protein, where the vast majority of pathogenic missense variants have been identified in association with epilepsy (Steinlein et al., 2010). In-silico analyses, including protein predictors and evolutionary conservation, support that this variant does not alter protein structure/function. Therefore, based on the currently available information, it is unclear whether this variant is a pathogenic variant or a rare benign variant.

Genetic Services Laboratory, University of Chicago
Classification: Uncertain significance. Last evaluated: 2013-10-14. Review status: criteria provided, single submitter. Criteria: ACMG Guidelines, 2007. Collection method: clinical testing. Allele origin: germline. Inheritance: Autosomal dominant inheritance.